The following is an entry in ClinVar:

NM_024675.4(PALB2):c.928A>G (p.Ser310Gly)

Gene: PALB2 (partner and localizer of BRCA2; minus strand). Cytogenetic location: 16p12.2.
Variant type: single nucleotide variant.
Coding change: c.928A>G on transcript NM_024675.4 (MANE Select); coding-DNA position 928, A replaced by G.
Protein change: p.Ser310Gly; replaces serine 310 with glycine.
Molecular consequence: missense variant.
Genome position (GRCh38, 1-based): chr16:23,635,618, T>C on the plus strand (A>G on the coding strand, the complement: PALB2 is on the minus strand). VCF-style: chr16-23635618-T-C. GRCh37 (hg19) VCF-style: chr16-23646939-T-C.
Other names: p.S310G:AGT>GGT; short protein forms S310G.
Identifiers: ClinVar variation 128149 (VCV000128149.33), dbSNP rs45561331, ClinGen allele CA288501.

ClinVar aggregate classification (germline): Conflicting classifications of pathogenicity. Review status: criteria provided, conflicting classifications (1 of 4 stars). 13 submissions from 13 submitters: Uncertain significance (7); Benign (1); Likely benign (2). 3 of the submissions do not count toward it. Last evaluated 2026-01-05.

Conditions:
PALB2-related disorder. Also called: PALB2-related disorders; PALB2-related condition.
Breast and/or ovarian cancer. Identifiers: MedGen CN221562.
Hereditary cancer-predisposing syndrome. Also called: Neoplastic Syndromes, Hereditary; Tumor predisposition; Hereditary Cancer Syndrome; Hereditary neoplastic syndrome. Identifiers: Orphanet 140162, MedGen C0027672, MeSH D009386, MONDO:0015356.
Familial cancer of breast. Also called: hereditary breast carcinoma; Hereditary breast cancer; BREAST CANCER, FAMILIAL. Identifiers: Orphanet 227535, MedGen C0346153, MONDO:0016419, OMIM 114480. Disease mechanism: loss of function.
Malignant tumor of breast. Also called: Cancer breast; Malignant breast neoplasm. Identifiers: MedGen C0006142, MONDO:0007254. Disease mechanism: loss of function.

Allele frequency attached by ClinVar (database versions not stated): gnomAD 0.00001; ExAC 0.00002; gnomAD exomes 0.00005 and 0.00014; TOPMed 0.00005.

Submissions (13):

Labcorp Genetics (formerly Invitae), Labcorp
Classification: Uncertain significance for Familial cancer of breast. Last evaluated: 2026-01-05. Review status: criteria provided, single submitter. Criteria: Invitae Variant Classification Sherloc (09022015). Collection method: clinical testing. Allele origin: germline.
Comment: This sequence change replaces serine, which is neutral and polar, with glycine, which is neutral and non-polar, at codon 310 of the PALB2 protein (p.Ser310Gly). This variant is present in population databases (rs45561331, gnomAD 0.01%). This missense change has been observed in individual(s) with ovarian cancer, familial breast cancer (PMID: 17200668, 26315354). ClinVar contains an entry for this variant (Variation ID: 128149). Invitae Evidence Modeling of protein sequence and biophysical properties (such as structural, functional, and spatial information, amino acid conservation, physicochemical variation, residue mobility, and thermodynamic stability) indicates that this missense variant is not expected to disrupt PALB2 protein function with a negative predictive value of 80%. RNA analysis performed to evaluate the impact of this missense change on mRNA splicing indicates it does not significantly alter splicing (internal data). In summary, the available evidence is currently insufficient to determine the role of this variant in disease. Therefore, it has been classified as a Variant of Uncertain Significance.

PreventionGenetics, part of Exact Sciences
Classification: Uncertain significance for PALB2-related condition. Last evaluated: 2025-08-20. Review status: criteria provided, single submitter. Criteria: ACMG Guidelines, 2015. Collection method: clinical testing. Allele origin: germline.
Comment: The PALB2 c.928A>G variant is predicted to result in the amino acid substitution p.Ser310Gly. This variant has been reported in an individual with breast cancer and an individual with melanoma (Table S3, Pritchard et al. 2018. PubMed ID: 29641532; Supplement, Tung et al. 2015. PubMed ID: 25186627). It has also been reported in cases and controls from an ovarian cancer cohort study (Ramus et al. 2015. PubMed ID: 26315354). This variant is reported in 0.011% of alleles in individuals of European (Non-Finnish) descent in gnomAD. This variant has conflicting interpretations in ClinVar ranging from benign to uncertain (Variation ID: 128149). At this time, the clinical significance of this variant is uncertain due to the absence of conclusive functional and genetic evidence.

Quest Diagnostics Nichols Institute San Juan Capistrano
Classification: Uncertain significance. Last evaluated: 2025-02-14. Review status: criteria provided, single submitter. Criteria: Quest Diagnostics criteria. Collection method: clinical testing. Allele origin: unknown.
Comment: The PALB2 c.928A>G (p.Ser310Gly) variant has been reported in the published literature in individuals with breast cancer (PMID: 33471991 (2021), 17200668 (2007), see also LOVD) and ovarian cancer (PMID: 26315354 (2015), 32546565)). This variant has also been identified in reportedly healthy individuals (PMID: 33471991 (2021), 26315354 (2015), 17200668 (2007), 32546565 (2021), see also LOVD). The frequency of this variant in the general population (Genome Aggregation Database) is uninformative in the assessment of its pathogenicity. Analysis of this variant using bioinformatics tools for the prediction of the effect of amino acid changes on protein structure and function yielded predictions that this variant is benign. Based on the available information, we are unable to determine the clinical significance of this variant.

GeneDx
Classification: Uncertain significance. Last evaluated: 2023-12-20. Review status: criteria provided, single submitter. Criteria: GeneDx Variant Classification Process June 2021. Collection method: clinical testing. Allele origin: germline. Affected: yes.
Comment: In silico analysis supports that this missense variant does not alter protein structure/function; Observed in individuals with a personal or family history including breast, ovarian, and other cancers; however, it has also been observed in control populations (PMID: 25186627, 32546565, 26315354, 17200668, 29641532); This variant is associated with the following publications: (PMID: 25186627, 26315354, 29641532, 17200668, 32546565, 19369211)

Blueprint Genetics
Classification: Uncertain significance. Last evaluated: 2023-05-02. Review status: criteria provided, single submitter. Criteria: ACMG Guidelines, 2015. Collection method: clinical testing. Allele origin: germline.

Myriad Genetics, Inc.
Classification: Likely benign for Familial cancer of breast. Last evaluated: 2023-03-31. Review status: criteria provided, single submitter. Criteria: Myriad Autosomal Dominant, Autosomal Recessive and X-Linked Classification Criteria (2023). Collection method: clinical testing. Allele origin: unknown.
Comment: This variant is considered likely benign. This variant is strongly associated with less severe personal and family histories of cancer, typical for individuals without pathogenic variants in this gene [PMID: 25085752].

Ambry Genetics
Classification: Likely benign for Hereditary cancer-predisposing syndrome. Last evaluated: 2022-12-12. Review status: criteria provided, single submitter. Criteria: Ambry Variant Classification Scheme 2023. Collection method: clinical testing. Allele origin: germline.

CHEO Genetics Diagnostic Laboratory, Children's Hospital of Eastern Ontario
Classification: Uncertain significance for Breast and/or ovarian cancer. Last evaluated: 2022-02-25. Review status: criteria provided, single submitter. Criteria: ACMG Guidelines, 2015. Collection method: clinical testing. Allele origin: germline.

Women's Health and Genetics/Laboratory Corporation of America, LabCorp
Classification: Uncertain significance. Last evaluated: 2021-01-31. Review status: criteria provided, single submitter. Criteria: LabCorp Variant Classification Summary - May 2015. Collection method: clinical testing. Allele origin: germline.
Comment: Variant summary: PALB2 c.928A>G (p.Ser310Gly) results in a non-conservative amino acid change in the encoded protein sequence. Three of five in-silico tools predict a benign effect of the variant on protein function. The variant allele was found at a frequency of 4.8e-05 in 251176 control chromosomes. This frequency is not significantly higher than expected for a pathogenic variant in PALB2 causing Hereditary Breast And Ovarian Cancer Syndrome (4.8e-05 vs 0.00016), allowing no conclusion about variant significance. c.928A>G has been reported in the literature in individuals affected with breast cancer, serous ovarian cancer and unaffected controls (example, Rahman_2007, Ramus_2015, Tung_2015). These report(s) do not provide unequivocal conclusions about association of the variant with Hereditary Breast And Ovarian Cancer Syndrome or Fanconi Anemia. To our knowledge, no experimental evidence demonstrating an impact on protein function has been reported. Seven clinical diagnostic laboratories have submitted clinical-significance assessments for this variant to ClinVar after 2014 without evidence for independent evaluation (VUS, n=6; Benign, n=1). Some submitters cite overlapping evidence utilized in the context of this evaluation. Based on the evidence outlined above, the variant was classified as uncertain significance.

Color Diagnostics, LLC DBA Color Health
Classification: Benign for Hereditary cancer-predisposing syndrome. Last evaluated: 2016-11-28. Review status: criteria provided, single submitter. Criteria: ACMG Guidelines, 2015. Collection method: clinical testing. Allele origin: germline.

Leiden Open Variation Database
Classification: Uncertain significance for Familial cancer of breast. Last evaluated: 2019-05-13. Review status: no assertion criteria provided. Collection method: curation. Allele origin: germline. Affected: yes. Not counted in ClinVar's aggregate classification.
Comment: Curators: Marc Tischkowitz, Arleen D. Auerbach. Submitter to LOVD: Marc Tischkowitz.

Counsyl
Classification: Uncertain significance for Familial cancer of breast. Last evaluated: 2017-11-30. Review status: no assertion criteria provided. Collection method: clinical testing. Allele origin: unknown. Not counted in ClinVar's aggregate classification.

Department of Pathology and Laboratory Medicine, Sinai Health System
Classification: Uncertain significance for Malignant tumor of breast. Review status: no assertion criteria provided. Collection method: clinical testing. Allele origin: unknown. Affected: yes. Study: The Canadian Open Genetics Repository (COGR). Not counted in ClinVar's aggregate classification.
Comment: The PALB2 p.Ser310Gly variant was identified in 5 of 11880 proband chromosomes (frequency: 0.0004) from individuals or families with breast cancer or epithelial ovarian cancer and was present in 4 of 9030 control chromosomes (frequency: 0.0004) from healthy individuals (Rahman 2007, Ramus 2015, Tung 2015). The variant was also identified in dbSNP (ID: rs45561331) as "With Uncertain significance allele", ClinVar (classified as uncertain significance by Invitae, GeneDx, Ambry Genetics and Counsyl), MutDB, LOVD 3.0 (1x), and in the Zhejiang University Database (1x). The variant was not identified in Cosmic database. The variant was identified in control databases in 12 of 246074 chromosomes at a frequency of 0.00005 (Genome Aggregation Database Feb 27, 2017). The variant was observed in the following populations: European in 12 of 111596 chromosomes (freq: 0.0001), but not in the African, Other, Latino, Ashkenazi Jewish, East Asian, Finnish, and South Asian populations. The p.Ser310 residue is not conserved in mammals and computational analyses (PolyPhen-2, SIFT, AlignGVGD, BLOSUM, MutationTaster) do not suggest a high likelihood of impact to the protein; however, this information is not predictive enough to rule out pathogenicity. The variant occurs outside of the splicing consensus sequence and 3 of 4 in silico or computational prediction software programs (SpliceSiteFinder, MaxEntScan, NNSPLICE, GeneSplicer) predict a greater than 10% difference in splicing. However, this information is not predictive enough to assume pathogenicity. In summary, based on the above information the clinical significance of this variant cannot be determined with certainty at this time. This variant is classified as a variant of uncertain significance.

Literature cited by the submitters: PubMed 17200668 (cited by 5 submitters); PubMed 26315354 (cited by 5 submitters); PubMed 25186627 (cited by 4 submitters); PubMed 33471991 (cited by Quest Diagnostics Nichols Institute San Juan Capistrano); PubMed 32885271 (cited by Quest Diagnostics Nichols Institute San Juan Capistrano); PubMed 32546565 (cited by Quest Diagnostics Nichols Institute San Juan Capistrano); PubMed 25085752 (cited by Myriad Genetics, Inc.); PubMed 29641532 (cited by Ambry Genetics); PubMed 26635394 (cited by Counsyl).